The following is an entry in ClinVar:

ClinVar aggregate classification (germline): Uncertain significance (1 of 4 stars; one submission).

gnomAD v4.1: 1 of 1,611,272 alleles (0.000062%); highest among the groups gnomAD compares: South Asian, 0.0011%; no homozygotes.

Submission:

CeGaT Center for Human Genetics Tuebingen
Classification: Uncertain significance. Last evaluated: 2026-01-01. Review status: criteria provided, single submitter. Criteria: CeGaT Center For Human Genetics Tuebingen Variant Classification Criteria Version 2. Collection method: clinical testing. Allele origin: germline. Affected: yes. Observed: 1 variant allele.
Comment: NEB: PM2

NM_001164508.2(NEB):c.16798A>G (p.Ile5600Val)

Gene: NEB (nebulin; minus strand). Cytogenetic location: 2q23.3.
Variant type: single nucleotide variant.
Coding change: c.16798A>G on transcript NM_001164508.2 (MANE Select); coding-DNA position 16798, A replaced by G.
Protein change: p.Ile5600Val; replaces isoleucine 5600 with valine.
Molecular consequence: missense variant.
Genome position (GRCh38, 1-based): chr2:151,576,261, T>C on the plus strand (A>G on the coding strand, the complement: NEB is on the minus strand). VCF-style: chr2-151576261-T-C. GRCh37 (hg19) VCF-style: chr2-152432775-T-C.
Other names: c.11695A>G, p.Ile3899Val (NM_004543.5); c.16798A>G, p.Ile5600Val (NM_001164507.2, NM_001271208.2); short protein forms I3899V, I5600V.
Identifiers: ClinVar variation 4822936 (VCV004822936.4).